The following is an entry in ClinVar:

ClinVar aggregate classification (germline): Uncertain significance (1 of 4 stars; one submission).

Conditions:
Bardet-Biedl syndrome (BBS). Identifiers: Orphanet 110, MedGen C0752166, MONDO:0015229.

Submission:

Labcorp Genetics (formerly Invitae), Labcorp
Classification: Uncertain significance for Bardet-Biedl syndrome. Last evaluated: 2024-11-11. Review status: criteria provided, single submitter. Criteria: Invitae Variant Classification Sherloc (09022015). Collection method: clinical testing. Allele origin: germline.
Comment: This sequence change replaces glutamine, which is neutral and polar, with histidine, which is basic and polar, at codon 256 of the BBS1 protein (p.Gln256His). This variant is not present in population databases (gnomAD no frequency). This variant has not been reported in the literature in individuals affected with BBS1-related conditions. ClinVar contains an entry for this variant (Variation ID: 2837479). Invitae Evidence Modeling of protein sequence and biophysical properties (such as structural, functional, and spatial information, amino acid conservation, physicochemical variation, residue mobility, and thermodynamic stability) has been performed for this missense variant. However, the output from this modeling did not meet the statistical confidence thresholds required to predict the impact of this variant on BBS1 protein function. In summary, the available evidence is currently insufficient to determine the role of this variant in disease. Therefore, it has been classified as a Variant of Uncertain Significance.

NM_024649.5(BBS1):c.768G>C (p.Gln256His)

Genes: BBS1 (Bardet-Biedl syndrome 1; plus strand), ZDHHC24 (zDHHC palmitoyltransferase 24; minus strand). Cytogenetic location: 11q13.2.
Variant type: single nucleotide variant.
Coding change: c.768G>C on transcript NM_024649.5 (MANE Select); coding-DNA position 768, G replaced by C.
Protein change: p.Gln256His; replaces glutamine 256 with histidine.
Molecular consequence: missense variant. On other transcripts: 3 prime UTR variant (1).
Genome position (GRCh38, 1-based): chr11:66,521,314, G>C. VCF-style: chr11-66521314-G-C. GRCh37 (hg19) VCF-style: chr11-66288785-G-C.
Other names: c.*174C>G (NM_001348571.2); short protein forms Q256H.
Identifiers: ClinVar variation 2837479 (VCV002837479.3), dbSNP rs1856205495, ClinGen allele CA381459351.